The following is an entry in ClinVar:

ClinVar aggregate classification (germline): Conflicting classifications of pathogenicity. Review status: criteria provided, conflicting classifications (1 of 4 stars). 10 submissions from 10 submitters: Uncertain significance (1); Benign (2); Likely benign (7). Last evaluated 2026-01-05.

Conditions:
Familial thoracic aortic aneurysm and aortic dissection (TAAD). Also called: Thoracic aortic aneurysms and dissections. Identifiers: Orphanet 91387, MedGen C4707243, MONDO:0019625.
Aortic aneurysm, familial thoracic 4 (AAT4). Also called: AORTIC ANEURYSM/AORTIC DISSECTION AND PATENT DUCTUS ARTERIOSUS. Identifiers: MedGen C1851504, MONDO:0007568, OMIM 132900.

Allele frequency attached by ClinVar (database versions not stated): TOPMed 0.00006; ESP Exome Variant Server 0.00008; 1000 Genomes Project 30x 0.00016; 1000 Genomes Project 0.00020.
gnomAD v4.1: 602 of 1,611,998 alleles (0.037%); highest among the groups gnomAD compares: Middle Eastern, 0.033%; 2 homozygotes.

Submissions (10):

Labcorp Genetics (formerly Invitae), Labcorp
Classification: Likely benign for Aortic aneurysm, familial thoracic 4. Last evaluated: 2026-01-05. Review status: criteria provided, single submitter. Criteria: Invitae Variant Classification Sherloc (09022015). Collection method: clinical testing. Allele origin: germline.

All of Us Research Program, National Institutes of Health
Classification: Likely benign for Familial thoracic aortic aneurysm and aortic dissection. Last evaluated: 2024-09-24. Review status: criteria provided, single submitter. Criteria: ACMG Guidelines, 2015. Collection method: clinical testing. Allele origin: germline. Inheritance: Autosomal dominant inheritance. Observed: 61 variant alleles, 61 heterozygotes.
Comment: This study involves interpretation of variants in research participants for the purpose of population health screening. Participant phenotype was not available at the time of variant classification. Additional details can be found in publication PMID: 35346344, PMCID: PMC8962531

Blueprint Genetics
Classification: Benign. Last evaluated: 2024-07-25. Review status: criteria provided, single submitter. Criteria: ACMG Guidelines, 2015. Collection method: clinical testing. Allele origin: germline.

CeGaT Center for Human Genetics Tuebingen
Classification: Likely benign. Last evaluated: 2024-01-01. Review status: criteria provided, single submitter. Criteria: CeGaT Center For Human Genetics Tuebingen Variant Classification Criteria Version 2. Collection method: clinical testing. Allele origin: germline. Affected: yes. Observed: 1 variant allele.
Comment: MYH11: BS1:Supporting

Women's Health and Genetics/Laboratory Corporation of America, LabCorp
Classification: Likely benign. Last evaluated: 2023-08-24. Review status: criteria provided, single submitter. Criteria: LabCorp Variant Classification Summary - May 2015. Collection method: clinical testing. Allele origin: germline.

CHEO Genetics Diagnostic Laboratory, Children's Hospital of Eastern Ontario
Classification: Benign for Familial thoracic aortic aneurysm and aortic dissection. Last evaluated: 2019-05-14. Review status: criteria provided, single submitter. Criteria: ACMG Guidelines, 2015. Collection method: clinical testing. Allele origin: germline.

Color Diagnostics, LLC DBA Color Health
Classification: Likely benign for Familial thoracic aortic aneurysm and aortic dissection. Last evaluated: 2018-06-25. Review status: criteria provided, single submitter. Criteria: ACMG Guidelines, 2015. Collection method: clinical testing. Allele origin: germline.

GeneDx
Classification: Likely benign. Last evaluated: 2018-02-08. Review status: criteria provided, single submitter. Criteria: GeneDx Variant Classification (06012015). Collection method: clinical testing. Allele origin: germline. Affected: yes.
Comment: This variant is considered likely benign or benign based on one or more of the following criteria: it is a conservative change, it occurs at a poorly conserved position in the protein, it is predicted to be benign by multiple in silico algorithms, and/or has population frequency not consistent with disease.

Illumina Laboratory Services, Illumina
Classification: Uncertain significance for Aortic aneurysm, familial thoracic 4. Last evaluated: 2018-01-12. Review status: criteria provided, single submitter. Criteria: ICSL Variant Classification Criteria 13 December 2019. Collection method: clinical testing. Allele origin: germline.

Ambry Genetics
Classification: Likely benign for Familial thoracic aortic aneurysm and aortic dissection. Last evaluated: 2017-12-16. Review status: criteria provided, single submitter. Criteria: Ambry Variant Classification Scheme 2023. Collection method: clinical testing. Allele origin: germline.

NM_002474.3(MYH11):c.5336C>T (p.Thr1779Met)

Genes: MYH11 (myosin heavy chain 11; minus strand), NDE1 (nudE neurodevelopment protein 1; plus strand). Cytogenetic location: 16p13.11.
Variant type: single nucleotide variant.
Coding change: c.5336C>T on transcript NM_002474.3 (MANE Select); coding-DNA position 5336, C replaced by T.
Protein change: p.Thr1779Met; replaces threonine 1779 with methionine.
Molecular consequence: missense variant. On other transcripts: intron variant (2).
Genome position (GRCh38, 1-based): chr16:15,717,308, G>A on the plus strand (C>T on the coding strand, the complement: MYH11 is on the minus strand). VCF-style: chr16-15717308-G-A. GRCh37 (hg19) VCF-style: chr16-15811165-G-A.
Other names: c.5357C>T, p.Thr1786Met (NM_001040113.2, NM_001040114.2); c.5336C>T, p.Thr1779Met (NM_022844.3); c.948-6883G>A (NM_001143979.2, NM_017668.3); short protein forms T1786M, T1779M.
Identifiers: ClinVar variation 155817 (VCV000155817.47), dbSNP rs201960644, ClinGen allele CA345842.